The following is an entry in ClinVar:

ClinVar aggregate classification (germline): Benign. Review status: criteria provided, multiple submitters, no conflicts (2 of 4 stars). 9 submissions from 9 submitters: Benign (5). 4 of the submissions do not count toward it. Last evaluated 2026-02-03.

Conditions:
Dilated cardiomyopathy 1JJ (CMD1JJ). Identifiers: Orphanet 154, MedGen C3808935, MONDO:0014095, OMIM 615235.

Allele frequency attached by ClinVar (database versions not stated): gnomAD 0.01927 and 0.01844; ESP Exome Variant Server 0.02068; TOPMed 0.02073; 1000 Genomes Project 0.02077; 1000 Genomes Project 30x 0.02295; ExAC 0.01336.
gnomAD v4.1: 18,066 of 1,612,792 alleles (1.1%); highest among the groups gnomAD compares: Middle Eastern, 6.8%; 188 homozygotes.

Submissions (9):

Labcorp Genetics (formerly Invitae), Labcorp
Classification: Benign for Dilated cardiomyopathy 1JJ. Last evaluated: 2026-02-03. Review status: criteria provided, single submitter. Criteria: Invitae Variant Classification Sherloc (09022015). Collection method: clinical testing. Allele origin: germline.

ARUP Laboratories, Molecular Genetics and Genomics, ARUP Laboratories
Classification: Benign for Dilated cardiomyopathy 1JJ. Last evaluated: 2023-11-29. Review status: criteria provided, single submitter. Criteria: ARUP Molecular Germline Variant Investigation Process 2024. Collection method: clinical testing. Allele origin: germline.

Women's Health and Genetics/Laboratory Corporation of America, LabCorp
Classification: Benign. Last evaluated: 2023-07-29. Review status: criteria provided, single submitter. Criteria: LabCorp Variant Classification Summary - May 2015. Collection method: clinical testing. Allele origin: germline.

GeneDx
Classification: Benign. Last evaluated: 2014-03-05. Review status: criteria provided, single submitter. Criteria: GeneDx Variant Classification (06012015). Collection method: clinical testing. Allele origin: germline. Affected: yes.
Comment: This variant is considered likely benign or benign based on one or more of the following criteria: it is a conservative change, it occurs at a poorly conserved position in the protein, it is predicted to be benign by multiple in silico algorithms, and/or has population frequency not consistent with disease.

Laboratory for Molecular Medicine, Mass General Brigham Personalized Medicine
Classification: Benign. Last evaluated: 2011-12-01. Review status: criteria provided, single submitter. Criteria: LMM Criteria. Collection method: clinical testing. Allele origin: germline. Observed: 76 variant alleles.

Clinical Genetics DNA and cytogenetics Diagnostics Lab, Erasmus MC, Erasmus Medical Center
Classification: Benign. Review status: no assertion criteria provided. Collection method: clinical testing. Allele origin: germline. Affected: yes. Study: VKGL Data-share Consensus. Not counted in ClinVar's aggregate classification.

Clinical Genetics, Academic Medical Center
Classification: Benign. Review status: no assertion criteria provided. Collection method: clinical testing. Allele origin: germline. Affected: yes. Study: VKGL Data-share Consensus. Not counted in ClinVar's aggregate classification.

Genome Diagnostics Laboratory, University Medical Center Utrecht
Classification: Benign. Review status: no assertion criteria provided. Collection method: clinical testing. Allele origin: germline. Affected: yes. Study: VKGL Data-share Consensus. Not counted in ClinVar's aggregate classification.

Joint Genome Diagnostic Labs from Nijmegen and Maastricht, Radboudumc and MUMC+
Classification: Benign. Review status: no assertion criteria provided. Collection method: clinical testing. Allele origin: germline. Affected: yes. Study: VKGL Data-share Consensus. Not counted in ClinVar's aggregate classification.

NM_001105206.3(LAMA4):c.423-4T>G

Gene: LAMA4 (laminin subunit alpha 4; minus strand). Cytogenetic location: 6q21.
Variant type: single nucleotide variant.
Coding change: c.423-4T>G on transcript NM_001105206.3 (MANE Select); 4 bases into the intron before coding-DNA position 423, T replaced by G.
Molecular consequence: intron variant.
Genome position (GRCh38, 1-based): chr6:112,201,692, A>C on the plus strand (T>G on the coding strand, the complement: LAMA4 is on the minus strand). VCF-style: chr6-112201692-A-C. GRCh37 (hg19) VCF-style: chr6-112522893-A-C.
Other names: c.423-4T>G (NM_002290.5, NM_001105207.3, NM_001105206.2).
Identifiers: ClinVar variation 44385 (VCV000044385.27), dbSNP rs79008328, ClinGen allele CA282384.